The following is an entry in ClinVar:

NM_033131.4(WNT3A):c.951C>A (p.Asn317Lys)

Gene: WNT3A (Wnt family member 3A; plus strand). Cytogenetic location: 1q42.13.
Variant type: single nucleotide variant.
Coding change: c.951C>A on transcript NM_033131.4 (MANE Select); coding-DNA position 951, C replaced by A.
Protein change: p.Asn317Lys; replaces asparagine 317 with lysine.
Molecular consequence: missense variant.
Genome position (GRCh38, 1-based): chr1:228,059,357, C>A. VCF-style: chr1-228059357-C-A. GRCh37 (hg19) VCF-style: chr1-228247058-C-A.
Other names: short protein forms N317K.
Identifiers: ClinVar variation 4691457 (VCV004691457.1).

ClinVar aggregate classification (germline): Uncertain significance (1 of 4 stars; one submission).

Submission:

Labcorp Genetics (formerly Invitae), Labcorp
Classification: Uncertain significance. Last evaluated: 2025-08-18. Review status: criteria provided, single submitter. Criteria: Invitae Variant Classification Sherloc (09022015). Collection method: clinical testing. Allele origin: germline.
Comment: This sequence change replaces asparagine, which is neutral and polar, with lysine, which is basic and polar, at codon 317 of the WNT3A protein (p.Asn317Lys). This variant is not present in population databases (gnomAD no frequency). This variant has not been reported in the literature in individuals affected with WNT3A-related conditions. Invitae Evidence Modeling of protein sequence and biophysical properties (such as structural, functional, and spatial information, amino acid conservation, physicochemical variation, residue mobility, and thermodynamic stability) indicates that this missense variant is not expected to disrupt WNT3A protein function with a negative predictive value of 80%. In summary, the available evidence is currently insufficient to determine the role of this variant in disease. Therefore, it has been classified as a Variant of Uncertain Significance.